The following is an entry in ClinVar:

ClinVar aggregate classification (germline): Benign/Likely benign. Review status: criteria provided, multiple submitters, no conflicts (2 of 4 stars). 9 submissions from 9 submitters: Benign (3); Likely benign (6). Last evaluated 2026-02-16.

Conditions:
DSP-related disorder. Also called: DSP-related disorders; DSP-related condition.
Keratosis palmoplantaris striata 2. Also called: KERATODERMA, PALMOPLANTAR, STRIATE FORM II; STRIATE PALMOPLANTAR KERATODERMA II; Keratosis palmoplantaris striata II. Identifiers: MedGen C1852127, MONDO:0013034, OMIM 612908.
Arrhythmogenic right ventricular dysplasia 8 (ARVD8). Also called: ARRHYTHMOGENIC RIGHT VENTRICULAR DYSPLASIA, FAMILIAL, 8; ARRHYTHMOGENIC RIGHT VENTRICULAR CARDIOMYOPATHY 8; Arrhythmogenic Right Ventricular Dysplasia/Cardiomyopathy 8. Identifiers: MedGen C1843896, MONDO:0011831, OMIM 607450.
Lethal acantholytic epidermolysis bullosa (EBLA). Identifiers: Orphanet 158687, MedGen C1864826, MONDO:0012323, OMIM 609638.
Cardiomyopathy, dilated, with wooly hair, keratoderma, and tooth agenesis. Also called: Cardiomyopathy, dilated, with woolly hair, keratoderma, and tooth agenesis; Erythrokeratodermia-cardiomyopathy syndrome. Identifiers: Orphanet 476096, Orphanet 65282, MedGen C4014393, MONDO:0014355, OMIM 615821.
Woolly hair-skin fragility syndrome (WHSF). Identifiers: Orphanet 293165, MedGen C1843292, MONDO:0957307, OMIM 620415.
Arrhythmogenic cardiomyopathy with wooly hair and keratoderma. Also called: PALMOPLANTAR KERATODERMA WITH LEFT VENTRICULAR CARDIOMYOPATHY AND WOOLLY HAIR; Carvajal syndrome; Arrhythmogenic cardiomyopathy with woolly hair and keratoderma; Dilated cardiomyopathy with woolly hair and keratoderma. Identifiers: Orphanet 65282, MedGen C1854063, MONDO:0011581, OMIM 605676.
Cardiovascular phenotype. Identifiers: MedGen CN230736.
Cardiomyopathy (CMYO). Also called: Cardiomyopathies. Identifiers: Orphanet 167848, MedGen C0878544, MONDO:0004994, HP:0001638. Inheritance: Various modes of inheritance.

Allele frequency attached by ClinVar (database versions not stated): gnomAD 0.00001; TOPMed 0.00001; gnomAD exomes 0.00002 and 0.00006; ExAC 0.00003.
gnomAD v4.1: 35 of 1,614,084 alleles (0.0022%); highest among the groups gnomAD compares: Middle Eastern, 0.066%; no homozygotes.

Submissions (9):

Women's Health and Genetics/Laboratory Corporation of America, LabCorp
Classification: Likely benign. Last evaluated: 2026-02-16. Review status: criteria provided, single submitter. Criteria: LabCorp Variant Classification Summary - May 2015. Collection method: clinical testing. Allele origin: germline.

Labcorp Genetics (formerly Invitae), Labcorp
Classification: Likely benign for Arrhythmogenic cardiomyopathy with wooly hair and keratoderma; Arrhythmogenic right ventricular dysplasia 8. Last evaluated: 2025-12-02. Review status: criteria provided, single submitter. Criteria: Invitae Variant Classification Sherloc (09022015). Collection method: clinical testing. Allele origin: germline.

PreventionGenetics, part of Exact Sciences
Classification: Likely benign for DSP-related condition. Last evaluated: 2025-09-15. Review status: criteria provided, single submitter. Criteria: ACMG Guidelines, 2015. Collection method: clinical testing. Allele origin: germline.
Comment: This variant is classified as likely benign based on ACMG/AMP sequence variant interpretation guidelines (Richards et al. 2015 PMID: 25741868, with internal and published modifications).

All of Us Research Program, National Institutes of Health
Classification: Benign for Arrhythmogenic cardiomyopathy with wooly hair and keratoderma. Last evaluated: 2024-08-06. Review status: criteria provided, single submitter. Criteria: ACMG Guidelines, 2015. Collection method: clinical testing. Allele origin: germline. Inheritance: Autosomal dominant inheritance. Observed: 12 variant alleles, 12 heterozygotes.
Comment: This study involves interpretation of variants in research participants for the purpose of population health screening. Participant phenotype was not available at the time of variant classification. Additional details can be found in publication PMID: 35346344, PMCID: PMC8962531

Blueprint Genetics
Classification: Likely benign. Last evaluated: 2023-06-12. Review status: criteria provided, single submitter. Criteria: ACMG Guidelines, 2015. Collection method: clinical testing. Allele origin: germline.

Ambry Genetics
Classification: Benign for Cardiovascular phenotype. Last evaluated: 2021-11-05. Review status: criteria provided, single submitter. Criteria: Ambry Variant Classification Scheme 2023. Collection method: clinical testing. Allele origin: germline.

Fulgent Genetics
Classification: Likely benign for Arrhythmogenic cardiomyopathy with wooly hair and keratoderma; Arrhythmogenic right ventricular dysplasia 8; Lethal acantholytic epidermolysis bullosa; Keratosis palmoplantaris striata 2; Cardiomyopathy, dilated, with wooly hair, keratoderma, and tooth agenesis. Last evaluated: 2021-08-23. Review status: criteria provided, single submitter. Criteria: ACMG Guidelines, 2015. Collection method: clinical testing. Allele origin: unknown.

Color Diagnostics, LLC DBA Color Health
Classification: Benign for Cardiomyopathy. Last evaluated: 2020-09-15. Review status: criteria provided, single submitter. Criteria: ACMG Guidelines, 2015. Collection method: clinical testing. Allele origin: germline.

GeneDx
Classification: Likely benign. Last evaluated: 2018-10-11. Review status: criteria provided, single submitter. Criteria: GeneDx Variant Classification Process June 2021. Collection method: clinical testing. Allele origin: germline. Affected: yes.

NM_004415.4(DSP):c.1860G>A (p.Gln620=)

Gene: DSP (desmoplakin; plus strand). Cytogenetic location: 6p24.3.
Variant type: single nucleotide variant.
Coding change: c.1860G>A on transcript NM_004415.4 (MANE Select); coding-DNA position 1860, G replaced by A.
Protein change: p.Gln620=; no amino-acid change (glutamine 620 retained).
Molecular consequence: synonymous variant.
Genome position (GRCh38, 1-based): chr6:7,571,541, G>A. VCF-style: chr6-7571541-G-A. GRCh37 (hg19) VCF-style: chr6-7571774-G-A.
Other names: c.1860G>A, p.Gln620= (NM_001008844.3, NM_001319034.2); c.1860G>A (LRG_423t1, NM_004415.3).
Identifiers: ClinVar variation 379030 (VCV000379030.25), dbSNP rs762658467, ClinGen allele CA030277.